The following is an entry in ClinVar:

ClinVar aggregate classification (germline): Pathogenic. Review status: reviewed by expert panel (3 of 4 stars). 8 submissions from 8 submitters: Pathogenic (1). 7 of the submissions do not count toward it. Last evaluated 2016-10-18.

Conditions:
Hereditary cancer-predisposing syndrome. Also called: Neoplastic Syndromes, Hereditary; Tumor predisposition; Hereditary Cancer Syndrome; Hereditary neoplastic syndrome. Identifiers: Orphanet 140162, MedGen C0027672, MeSH D009386, MONDO:0015356.
Hereditary breast ovarian cancer syndrome. Also called: Hereditary breast and ovarian cancer; Breast and ovarian cancer; Hereditary breast and/or ovarian cancer syndrome; Hereditary breast and ovarian cancer syndrome (HBOC); Hereditary breast and ovarian cancer syndrome; BRCA1- and BRCA2-Associated Hereditary Breast and Ovarian Cancer. Identifiers: Orphanet 145, MedGen C0677776, MeSH D061325, MONDO:0003582. Disease mechanism: loss of function.
Breast-ovarian cancer, familial, susceptibility to, 1 (BROVCA1). Also called: OVARIAN CANCER, SUSCEPTIBILITY TO; BRCA1 Hereditary Breast and Ovarian Cancer. Identifiers: Orphanet 145, MedGen C2676676, MONDO:0011450, OMIM 604370. Disease mechanism: loss of function.

Submissions (8):

Evidence-based Network for the Interpretation of Germline Mutant Alleles (ENIGMA)
Classification: Pathogenic for Breast-ovarian cancer, familial, susceptibility to, 1. Last evaluated: 2016-10-18. Review status: reviewed by expert panel. Criteria: ENIGMA BRCA1/2 Classification Criteria (2015). Collection method: curation. Allele origin: germline.
Comment: Variant allele predicted to encode a truncated non-functional protein.

Labcorp Genetics (formerly Invitae), Labcorp
Classification: Pathogenic for Hereditary breast ovarian cancer syndrome. Last evaluated: 2024-03-25. Review status: criteria provided, single submitter. Criteria: Invitae Variant Classification Sherloc (09022015). Collection method: clinical testing. Allele origin: germline. Not counted in ClinVar's aggregate classification.
Comment: This sequence change creates a premature translational stop signal (p.His318Argfs*2) in the BRCA1 gene. It is expected to result in an absent or disrupted protein product. Loss-of-function variants in BRCA1 are known to be pathogenic (PMID: 20104584). This variant is not present in population databases (gnomAD no frequency). This premature translational stop signal has been observed in individual(s) with breast cancer (PMID: 25971625). This variant is also known as c.952_1015del64 and 1071del64. ClinVar contains an entry for this variant (Variation ID: 37710). For these reasons, this variant has been classified as Pathogenic.

Ambry Genetics
Classification: Pathogenic for Hereditary cancer-predisposing syndrome. Last evaluated: 2023-05-31. Review status: criteria provided, single submitter. Criteria: Ambry Variant Classification Scheme 2023. Collection method: clinical testing. Allele origin: germline. Not counted in ClinVar's aggregate classification.
Comment: The c.952_1015del64 pathogenic mutation, located in coding exon 9 of the BRCA1 gene, results from a deletion of 64 nucleotides at nucleotide positions 952 to 1015, causing a translational frameshift with a predicted alternate stop codon (p.H318Rfs*2). One study detected this mutation in 1/100 triple-negative breast cancer patients from Germany and Austria (Muendlein A et al. J. Cancer Res. Clin. Oncol., 2015 Nov;141:2005-12). This alteration was also identified in a large, worldwide study of BRCA1/2 mutation positive families (Rebbeck TR et al. Hum. Mutat., 2018 May;39:593-620). This variant is considered to be rare based on population cohorts in the Genome Aggregation Database (gnomAD). In addition to the clinical data presented in the literature, this alteration is expected to result in loss of function by premature protein truncation or nonsense-mediated mRNA decay. As such, this alteration is interpreted as a disease-causing mutation.

CeGaT Center for Human Genetics Tuebingen
Classification: Pathogenic. Last evaluated: 2023-05-01. Review status: criteria provided, single submitter. Criteria: CeGaT Center For Human Genetics Tuebingen Variant Classification Criteria Version 2. Collection method: clinical testing. Allele origin: germline. Affected: yes. Observed: 1 variant allele. Not counted in ClinVar's aggregate classification.
Comment: BRCA1: PVS1, PM2

Baylor Genetics
Classification: Pathogenic for Breast-ovarian cancer, familial, susceptibility to, 1. Last evaluated: 2022-03-10. Review status: criteria provided, single submitter. Criteria: ACMG Guidelines, 2015. Collection method: clinical testing. Allele origin: unknown. Not counted in ClinVar's aggregate classification.

Consortium of Investigators of Modifiers of BRCA1/2 (CIMBA), c/o University of Cambridge
Classification: Pathogenic for Breast-ovarian cancer, familial, susceptibility to, 1. Last evaluated: 2015-10-02. Review status: criteria provided, single submitter. Criteria: CIMBA Mutation Classification guidelines May 2016. Collection method: clinical testing. Allele origin: germline. Not counted in ClinVar's aggregate classification.

Sharing Clinical Reports Project (SCRP)
Classification: Pathogenic for Breast-ovarian cancer, familial 1. Last evaluated: 2011-08-24. Review status: no assertion criteria provided. Collection method: clinical testing. Allele origin: germline. Not counted in ClinVar's aggregate classification.

Breast Cancer Information Core (BIC) (BRCA1)
Classification: Pathogenic for Breast-ovarian cancer, familial 1. Last evaluated: 2002-05-29. Review status: no assertion criteria provided. Collection method: clinical testing. Allele origin: germline. Affected: yes. Observed: 8 variant alleles. Not counted in ClinVar's aggregate classification.

Literature cited by the submitters: PubMed 20104584 (cited by Labcorp Genetics (formerly Invitae), Labcorp); PubMed 25971625 (cited by Labcorp Genetics (formerly Invitae), Labcorp and Ambry Genetics); PubMed 29446198 (cited by Ambry Genetics).

NM_007294.4(BRCA1):c.952_1015del (p.His318fs)

Gene: BRCA1 (BRCA1 DNA repair associated; minus strand). Cytogenetic location: 17q21.31.
Variant type: Deletion.
Coding change: c.952_1015del on transcript NM_007294.4 (MANE Select); coding-DNA positions 952 to 1015, 64 bases deleted.
Protein change: p.His318fs; shifts the reading frame from histidine 318.
Molecular consequence: frameshift variant. On other transcripts: intron variant (137).
Genome position (GRCh38, 1-based): chr17:43,094,516-43,094,579, 64 bases deleted. GRCh37 (hg19): chr17:41,246,535-41,246,598.
Other names: 1071_1134del64; 1071del64; c.952_1015delCATAACAGATGGGCTGGAAGTAAGGAAACATGTAATGATAGGCGGACTCCCAGCACAGAAAAAA (NM_007294.3); c.952_1015del64 (NM_007294.3); c.739_802del, p.His247fs (NM_001407571.1, NM_001407853.1, NM_001407894.1 and 9 more transcripts); c.952_1015del, p.His318fs (NM_001407581.1, NM_001407582.1, NM_001407583.1 and 30 more transcripts); c.949_1012del, p.His317fs (NM_001407587.1, NM_001407590.1, NM_001407591.1 and 22 more transcripts); c.943_1006del, p.His315fs (NM_001407646.1, NM_001407647.1); and 44 more; short protein forms H318fs, H271fs, H22fs, H248fs, H250fs, H270fs, H317fs, H190fs.
Identifiers: ClinVar variation 37710 (VCV000037710.43), dbSNP rs80359872, ClinGen allele CA003981.